The following is an entry in ClinVar:

ClinVar aggregate classification (germline): Uncertain significance. Review status: criteria provided, multiple submitters, no conflicts (2 of 4 stars). 5 submissions from 5 submitters: Uncertain significance (5). Last evaluated 2026-06-26.

Conditions:
FAT4-related disorder. Also called: FAT4-related condition.
Van Maldergem syndrome 2 (VMLDS2). Identifiers: Orphanet 314679, MedGen C3809875, MONDO:0014242, OMIM 615546.
Hennekam lymphangiectasia-lymphedema syndrome 2 (HKLLS2). Identifiers: Orphanet 2136, MedGen C4014939, MONDO:0014454, OMIM 616006.

Allele frequency attached by ClinVar (database versions not stated): gnomAD 0.00014; TOPMed 0.00015; 1000 Genomes Project 30x 0.00016; 1000 Genomes Project 0.00020.
gnomAD v4.1: 43 of 1,613,868 alleles (0.0027%); highest among the groups gnomAD compares: Middle Eastern, 0.083%; no homozygotes.

Submissions (5):

PreventionGenetics, part of Exact Sciences
Classification: Uncertain significance for FAT4-related condition. Last evaluated: 2026-06-26. Review status: criteria provided, single submitter. Criteria: ACMG Guidelines, 2015. Collection method: clinical testing. Allele origin: germline.
Comment: The FAT4 c.6970C>T variant is predicted to result in the amino acid substitution p.Arg2324Trp. To our knowledge, this variant has not been reported in the literature. This variant is reported in 0.0098% of alleles in individuals of South Asian descent in gnomAD. At this time, the clinical significance of this variant is uncertain due to the absence of conclusive functional and genetic evidence.

Women's Health and Genetics/Laboratory Corporation of America, LabCorp
Classification: Uncertain significance. Last evaluated: 2025-05-27. Review status: criteria provided, single submitter. Criteria: LabCorp Variant Classification Summary - May 2015. Collection method: clinical testing. Allele origin: germline.
Comment: Variant summary: FAT4 c.6970C>T (p.Arg2324Trp) results in a non-conservative amino acid change located in the Cadherin-like domain (IPR002126) of the encoded protein sequence. Algorithms developed to predict the effect of missense changes on protein structure and function are either unavailable or do not agree on the potential impact of this missense change. The variant allele was found at a frequency of 2.8e-05 in 251098 control chromosomes. The available data on variant occurrences in the general population are insufficient to allow any conclusion about variant significance. c.6970C>T has been reported in the literature in at-least one individual affected with autoimmune disorder (Seidel_2015). This report does not provide unequivocal conclusions about association of the variant with FAT4-Related Disorders. To our knowledge, no experimental evidence demonstrating an impact on protein function has been reported. The following publication has been ascertained in the context of this evaluation (PMID: 25539626). ClinVar contains an entry for this variant (Variation ID: 1520346). Based on the evidence outlined above, the variant was classified as uncertain significance.

Labcorp Genetics (formerly Invitae), Labcorp
Classification: Uncertain significance. Last evaluated: 2024-12-09. Review status: criteria provided, single submitter. Criteria: Invitae Variant Classification Sherloc (09022015). Collection method: clinical testing. Allele origin: germline.
Comment: This sequence change replaces arginine, which is basic and polar, with tryptophan, which is neutral and slightly polar, at codon 2324 of the FAT4 protein (p.Arg2324Trp). This variant is present in population databases (rs559079176, gnomAD 0.01%). This variant has not been reported in the literature in individuals affected with FAT4-related conditions. ClinVar contains an entry for this variant (Variation ID: 1520346). Invitae Evidence Modeling of protein sequence and biophysical properties (such as structural, functional, and spatial information, amino acid conservation, physicochemical variation, residue mobility, and thermodynamic stability) has been performed for this missense variant. However, the output from this modeling did not meet the statistical confidence thresholds required to predict the impact of this variant on FAT4 protein function. In summary, the available evidence is currently insufficient to determine the role of this variant in disease. Therefore, it has been classified as a Variant of Uncertain Significance.

Fulgent Genetics
Classification: Uncertain significance for Van Maldergem syndrome 2; Hennekam lymphangiectasia-lymphedema syndrome 2. Last evaluated: 2024-06-10. Review status: criteria provided, single submitter. Criteria: ACMG Guidelines, 2015. Collection method: clinical testing. Allele origin: germline.

CeGaT Center for Human Genetics Tuebingen
Classification: Uncertain significance. Last evaluated: 2023-08-01. Review status: criteria provided, single submitter. Criteria: CeGaT Center For Human Genetics Tuebingen Variant Classification Criteria Version 2. Collection method: clinical testing. Allele origin: germline. Affected: yes. Observed: 1 variant allele.
Comment: FAT4: PM2

Literature cited by the submitters: PubMed 25539626 (cited by Women's Health and Genetics/Laboratory Corporation of America, LabCorp).

NM_001291303.3(FAT4):c.6970C>T (p.Arg2324Trp)

Gene: FAT4 (FAT atypical cadherin 4; plus strand). Cytogenetic location: 4q28.1.
Variant type: single nucleotide variant.
Coding change: c.6970C>T on transcript NM_001291303.3 (MANE Select); coding-DNA position 6970, C replaced by T.
Protein change: p.Arg2324Trp; replaces arginine 2324 with tryptophan.
Molecular consequence: missense variant.
Genome position (GRCh38, 1-based): chr4:125,416,574, C>T. VCF-style: chr4-125416574-C-T. GRCh37 (hg19) VCF-style: chr4-126337729-C-T.
Other names: c.6970C>T, p.Arg2324Trp (NM_001291285.3, NM_024582.6); c.6970C>T (NM_024582.5, NM_024582.4); short protein forms R2324W.
Identifiers: ClinVar variation 1520346 (VCV001520346.33), dbSNP rs559079176, ClinGen allele CA3073038.
Genomic context (GRCh38, chr4:125,416,574, plus strand): 5'-GAAGACAATGCTTTTACTCTCTCAGCCAGTGGAGAACTTGGAGTAACACAGAGTCTGGAT[C>T]GGGAAACAAAAGAGCGCTTTGTCTTAATGATTACAGCTACAGATTCAGGTAAGTCCATTA-3'
Protein context (NP_001278232.1, residues 2314-2334): GELGVTQSLD[Arg2324Trp]ETKERFVLMI